The following is an entry in ClinVar:

NM_016373.4(WWOX):c.721C>G (p.Gln241Glu)

Gene: WWOX (WW domain containing oxidoreductase; plus strand). Cytogenetic location: 16q23.1.
Variant type: single nucleotide variant.
Coding change: c.721C>G on transcript NM_016373.4 (MANE Select); coding-DNA position 721, C replaced by G.
Protein change: p.Gln241Glu; replaces glutamine 241 with glutamic acid.
Molecular consequence: missense variant.
Genome position (GRCh38, 1-based): chr16:78,424,985, C>G. VCF-style: chr16-78424985-C-G. GRCh37 (hg19) VCF-style: chr16-78458882-C-G.
Other names: c.382C>G, p.Gln128Glu (NM_001291997.2); short protein forms Q128E, Q241E.
Identifiers: ClinVar variation 954383 (VCV000954383.6), dbSNP rs540386692, ClinGen allele CA8183431.
Genomic context (GRCh38, chr16:78,424,985, plus strand): 5'-ACCAAAGATGGCCTGGAGACCACCTTTCAAGTGAATCATCTGGGGCACTTCTACCTTGTC[C>G]AGCTCCTCCAGGATGTTTTGTGCCGCTCAGCTCCTGCCCGTGTCATTGTGGTCTCCTCAG-3'
Protein context (NP_057457.1, residues 231-251): VNHLGHFYLV[Gln241Glu]LLQDVLCRSA

ClinVar aggregate classification (germline): Uncertain significance. Review status: criteria provided, multiple submitters, no conflicts (2 of 4 stars). 2 submissions from 2 submitters: Uncertain significance (2). Last evaluated 2023-11-30.

Conditions:
Autosomal recessive spinocerebellar ataxia 12. Also called: SPINOCEREBELLAR ATAXIA WITH MENTAL RETARDATION AND EPILEPSY. Identifiers: Orphanet 284282, MedGen C3280452, MONDO:0013687, OMIM 614322.
Developmental and epileptic encephalopathy, 1 (DEE1). Also called: OHTAHARA SYNDROME, X-LINKED; INFANTILE SPASM SYNDROME, X-LINKED 1; X-linked infantile spasms; West's syndrome; Tonic spasms with clustering, arrest of psychomotor development and hypsarrhythmia on EEG; X-Linked Infantile Spasm Syndrome. Identifiers: MedGen C3463992, MONDO:0010632, OMIM 308350. Disease mechanism: loss of function.

Allele frequency attached by ClinVar (database versions not stated): ExAC 0.00001; gnomAD 0.00001; gnomAD exomes 0.00001 and 0.00004; TOPMed 0.00002; 1000 Genomes Project 30x 0.00016; 1000 Genomes Project 0.00020.
gnomAD v4.1: 11 of 1,614,118 alleles (0.00068%); highest among the groups gnomAD compares: East Asian, 0.025%; no homozygotes.

Submissions (2):

Blueprint Genetics
Classification: Uncertain significance. Last evaluated: 2023-11-30. Review status: criteria provided, single submitter. Criteria: ACMG Guidelines, 2015. Collection method: clinical testing. Allele origin: germline.

Labcorp Genetics (formerly Invitae), Labcorp
Classification: Uncertain significance for Developmental and epileptic encephalopathy, 1; Autosomal recessive spinocerebellar ataxia 12. Last evaluated: 2022-02-04. Review status: criteria provided, single submitter. Criteria: Invitae Variant Classification Sherloc (09022015). Collection method: clinical testing. Allele origin: germline.
Comment: This sequence change replaces glutamine, which is neutral and polar, with glutamic acid, which is acidic and polar, at codon 241 of the WWOX protein (p.Gln241Glu). This variant is present in population databases (rs540386692, gnomAD 0.05%). This variant has not been reported in the literature in individuals affected with WWOX-related conditions. ClinVar contains an entry for this variant (Variation ID: 954383). Algorithms developed to predict the effect of missense changes on protein structure and function are either unavailable or do not agree on the potential impact of this missense change (SIFT: "Not Available"; PolyPhen-2: "Benign"; Align-GVGD: "Not Available"). In summary, the available evidence is currently insufficient to determine the role of this variant in disease. Therefore, it has been classified as a Variant of Uncertain Significance.